The following is an entry in ClinVar:

NM_007215.4(POLG2):c.61T>A (p.Phe21Ile)

Genes: MILR1 (mast cell immunoglobulin like receptor 1; plus strand), POLG2 (DNA polymerase gamma 2, accessory subunit; minus strand). Cytogenetic location: 17q23.3.
Variant type: single nucleotide variant.
Coding change: c.61T>A on transcript NM_007215.4 (MANE Select); coding-DNA position 61, T replaced by A.
Protein change: p.Phe21Ile; replaces phenylalanine 21 with isoleucine.
Molecular consequence: missense variant.
Genome position (GRCh38, 1-based): chr17:64,496,908, A>T on the plus strand (T>A on the coding strand, the complement: POLG2 is on the minus strand). VCF-style: chr17-64496908-A-T. GRCh37 (hg19) VCF-style: chr17-62493026-A-T.
Other names: short protein forms F21I.
Identifiers: ClinVar variation 1985145 (VCV001985145.14), dbSNP rs782621486, ClinGen allele CA8713099.

ClinVar aggregate classification (germline): Uncertain significance. Review status: criteria provided, multiple submitters, no conflicts (2 of 4 stars). 2 submissions from 2 submitters: Uncertain significance (2). Last evaluated 2025-09-01.

Allele frequency attached by ClinVar (database versions not stated): ExAC 0.00001.
gnomAD v4.1: 6 of 1,612,060 alleles (0.00037%); highest among the groups gnomAD compares: Non-Finnish European, 0.00042%; no homozygotes.

Submissions (2):

CeGaT Center for Human Genetics Tuebingen
Classification: Uncertain significance. Last evaluated: 2025-09-01. Review status: criteria provided, single submitter. Criteria: CeGaT Center For Human Genetics Tuebingen Variant Classification Criteria Version 2. Collection method: clinical testing. Allele origin: germline. Affected: yes. Observed: 2 variant alleles.
Comment: POLG2: PM2

Labcorp Genetics (formerly Invitae), Labcorp
Classification: Uncertain significance. Last evaluated: 2023-11-09. Review status: criteria provided, single submitter. Criteria: Invitae Variant Classification Sherloc (09022015). Collection method: clinical testing. Allele origin: germline.
Comment: This sequence change replaces phenylalanine, which is neutral and non-polar, with isoleucine, which is neutral and non-polar, at codon 21 of the POLG2 protein (p.Phe21Ile). This variant is present in population databases (rs782621486, gnomAD 0.0009%). This variant has not been reported in the literature in individuals affected with POLG2-related conditions. ClinVar contains an entry for this variant (Variation ID: 1985145). Algorithms developed to predict the effect of missense changes on protein structure and function output the following: SIFT: "Not Available"; PolyPhen-2: "Benign"; Align-GVGD: "Not Available". The isoleucine amino acid residue is found in multiple mammalian species, which suggests that this missense change does not adversely affect protein function. In summary, the available evidence is currently insufficient to determine the role of this variant in disease. Therefore, it has been classified as a Variant of Uncertain Significance.